The following is an entry in ClinVar:

ClinVar aggregate classification (germline): Uncertain significance. Review status: criteria provided, multiple submitters, no conflicts (2 of 4 stars). 3 submissions from 3 submitters: Uncertain significance (3). Last evaluated 2022-12-16.

Conditions:
Maturity-onset diabetes of the young type 6 (MODY6). Identifiers: Orphanet 552, MedGen C1853371, MONDO:0011668, OMIM 606394.
Type 2 diabetes mellitus. Also called: Type II diabetes mellitus. Identifiers: MedGen C0011860, MeSH D003924, MONDO:0005148, OMIM 125853, HP:0005978.
Inborn genetic diseases. Identifiers: MedGen C0950123, MeSH D030342.

Allele frequency attached by ClinVar (database versions not stated): gnomAD exomes below 0.00001 and 0.00001; TOPMed below 0.00001; gnomAD 0.00001; ExAC 0.00002.
gnomAD v4.1: 7 of 1,614,034 alleles (0.00043%); highest among the groups gnomAD compares: Non-Finnish European, 0.00059%; no homozygotes.

Submissions (3):

Ambry Genetics
Classification: Uncertain significance for Inborn genetic diseases. Last evaluated: 2022-12-16. Review status: criteria provided, single submitter. Criteria: Ambry Variant Classification Scheme 2023. Collection method: clinical testing. Allele origin: germline.

Labcorp Genetics (formerly Invitae), Labcorp
Classification: Uncertain significance. Last evaluated: 2022-07-19. Review status: criteria provided, single submitter. Criteria: Invitae Variant Classification Sherloc (09022015). Collection method: clinical testing. Allele origin: germline.
Comment: This sequence change replaces glutamic acid, which is acidic and polar, with alanine, which is neutral and non-polar, at codon 254 of the NEUROD1 protein (p.Glu254Ala). This variant is present in population databases (rs767219230, gnomAD 0.002%). In summary, the available evidence is currently insufficient to determine the role of this variant in disease. Therefore, it has been classified as a Variant of Uncertain Significance. Algorithms developed to predict the effect of missense changes on protein structure and function (SIFT, PolyPhen-2, Align-GVGD) all suggest that this variant is likely to be disruptive. ClinVar contains an entry for this variant (Variation ID: 1417052). This variant has not been reported in the literature in individuals affected with NEUROD1-related conditions.

Fulgent Genetics
Classification: Uncertain significance for Type 2 diabetes mellitus; Maturity-onset diabetes of the young type 6. Last evaluated: 2022-05-14. Review status: criteria provided, single submitter. Criteria: ACMG Guidelines, 2015. Collection method: clinical testing. Allele origin: unknown.

NM_002500.5(NEUROD1):c.761A>C (p.Glu254Ala)

Gene: NEUROD1 (neuronal differentiation 1; minus strand). Cytogenetic location: 2q31.3.
Variant type: single nucleotide variant.
Coding change: c.761A>C on transcript NM_002500.5 (MANE Select); coding-DNA position 761, A replaced by C.
Protein change: p.Glu254Ala; replaces glutamic acid 254 with alanine.
Molecular consequence: missense variant.
Genome position (GRCh38, 1-based): chr2:181,678,100, T>G on the plus strand (A>C on the coding strand, the complement: NEUROD1 is on the minus strand). VCF-style: chr2-181678100-T-G. GRCh37 (hg19) VCF-style: chr2-182542827-T-G.
Other names: c.761A>C (NM_002500.3); short protein forms E254A.
Identifiers: ClinVar variation 1417052 (VCV001417052.8), dbSNP rs767219230, ClinGen allele CA2011065.